The following is an entry in ClinVar:

NM_001206999.2(CIT):c.2082+10G>C

Gene: CIT (citron rho-interacting serine/threonine kinase; minus strand). Cytogenetic location: 12q24.23.
Variant type: single nucleotide variant.
Coding change: c.2082+10G>C on transcript NM_001206999.2 (MANE Select); 10 bases into the intron after coding-DNA position 2082, G replaced by C.
Molecular consequence: intron variant.
Genome position (GRCh38, 1-based): chr12:119,772,760, C>G on the plus strand (G>C on the coding strand, the complement: CIT is on the minus strand). VCF-style: chr12-119772760-C-G. GRCh37 (hg19) VCF-style: chr12-120210564-C-G.
Other names: c.2082+10G>C (NM_007174.3).
Identifiers: ClinVar variation 746741 (VCV000746741.8), dbSNP rs373076345, ClinGen allele CA6821891.

ClinVar aggregate classification (germline): Likely benign. Review status: criteria provided, single submitter (1 of 4 stars). 2 submissions from 2 submitters: Likely benign (1). 1 of the submissions does not count toward it. Last evaluated 2024-03-04.

Conditions:
CIT-related disorder. Also called: CIT-related condition.

Allele frequency attached by ClinVar (database versions not stated): ExAC 0.00011; 1000 Genomes Project 30x 0.00016; gnomAD exomes 0.00004 and 0.00010; gnomAD 0.00036 and 0.00031; ESP Exome Variant Server 0.00031; TOPMed 0.00039; 1000 Genomes Project 0.00020.
gnomAD v4.1: 106 of 1,610,340 alleles (0.0066%); highest among the groups gnomAD compares: African/African-American, 0.13%; no homozygotes.

Submissions (2):

Labcorp Genetics (formerly Invitae), Labcorp
Classification: Likely benign. Last evaluated: 2024-03-04. Review status: criteria provided, single submitter. Criteria: Invitae Variant Classification Sherloc (09022015). Collection method: clinical testing. Allele origin: germline.

PreventionGenetics, part of Exact Sciences
Classification: Likely benign for CIT-related condition. Last evaluated: 2019-08-01. Review status: no assertion criteria provided. Collection method: clinical testing. Allele origin: germline. Not counted in ClinVar's aggregate classification.
Comment: This variant is classified as likely benign based on ACMG/AMP sequence variant interpretation guidelines (Richards et al. 2015 PMID: 25741868, with internal and published modifications).